The following is an entry in ClinVar:

NM_015259.6(ICOSLG):c.322G>A (p.Glu108Lys)

Gene: ICOSLG (inducible T cell costimulator ligand; minus strand). Cytogenetic location: 21q22.3.
Variant type: single nucleotide variant.
Coding change: c.322G>A on transcript NM_015259.6 (MANE Select); coding-DNA position 322, G replaced by A.
Protein change: p.Glu108Lys; replaces glutamic acid 108 with lysine.
Molecular consequence: missense variant. On other transcripts: intron variant (1).
Genome position (GRCh38, 1-based): chr21:44,236,951, C>T on the plus strand (G>A on the coding strand, the complement: ICOSLG is on the minus strand). VCF-style: chr21-44236951-C-T. GRCh37 (hg19) VCF-style: chr21-45656834-C-T.
Other names: c.322G>A, p.Glu108Lys (NM_001395918.1, NM_001283050.2); c.56-1389G>A (NM_001283051.2); c.67G>A, p.Glu23Lys (NM_001283052.2); c.241G>A, p.Glu81Lys (NM_001365759.2); short protein forms E108K, E23K, E81K.
Identifiers: ClinVar variation 2988082 (VCV002988082.3), dbSNP rs764732216, ClinGen allele CA321498139.
Genomic context (GRCh38, chr21:44,236,951, plus strand): 5'-CGCTCAAAACCTCCTGGAATCCCAGGGATTGGCTCAACACCAGGCAGTGAAACTTCTGCT[C>T]GTCCTGGGGGGTGACGTTGAACAAGCGCAGGGAGAAGTCGCCCCGCAGCATGCCGGCCGG-3'
Protein context (NP_056074.1, residues 98-118): LRLFNVTPQD[Glu108Lys]QKFHCLVLSQ

ClinVar aggregate classification (germline): Uncertain significance (1 of 4 stars; one submission).

Allele frequency attached by ClinVar (database versions not stated): ExAC 0.00004.

Submission:

Labcorp Genetics (formerly Invitae), Labcorp
Classification: Uncertain significance. Last evaluated: 2025-04-28. Review status: criteria provided, single submitter. Criteria: Invitae Variant Classification Sherloc (09022015). Collection method: clinical testing. Allele origin: germline.
Comment: This sequence change replaces glutamic acid, which is acidic and polar, with lysine, which is basic and polar, at codon 108 of the ICOSLG protein (p.Glu108Lys). This variant is present in population databases (rs764732216, gnomAD 0.005%). This variant has not been reported in the literature in individuals affected with ICOSLG-related conditions. ClinVar contains an entry for this variant (Variation ID: 2988082). An algorithm developed to predict the effect of missense changes on protein structure and function (PolyPhen-2) suggests that this variant is likely to be disruptive. In summary, the available evidence is currently insufficient to determine the role of this variant in disease. Therefore, it has been classified as a Variant of Uncertain Significance.